The following is an entry in ClinVar:

NM_152925.3(CPNE1):c.1056G>A (p.Ser352=)

Gene: CPNE1 (copine 1; minus strand). Cytogenetic location: 20q11.22.
Variant type: single nucleotide variant.
Coding change: c.1056G>A on transcript NM_152925.3 (MANE Select); coding-DNA position 1056, G replaced by A.
Protein change: p.Ser352=; no amino-acid change (serine 352 retained).
Molecular consequence: synonymous variant. On other transcripts: non-coding transcript variant (1).
Genome position (GRCh38, 1-based): chr20:35,630,485, C>T on the plus strand (G>A on the coding strand, the complement: CPNE1 is on the minus strand). VCF-style: chr20-35630485-C-T. GRCh37 (hg19) VCF-style: chr20-34218407-C-T.
Other names: c.1056G>A, p.Ser352= (NM_001198863.2, NM_152926.3, NM_152927.3 and 1 more transcripts); c.1071G>A, p.Ser357= (NM_003915.6).
Identifiers: ClinVar variation 3771453 (VCV003771453.13).

ClinVar aggregate classification (germline): Likely benign (1 of 4 stars; one submission).

gnomAD v4.1: 21 of 1,613,876 alleles (0.0013%); highest among the groups gnomAD compares: Middle Eastern, 0.016%; no homozygotes.

Submission:

CeGaT Center for Human Genetics Tuebingen
Classification: Likely benign. Last evaluated: 2025-03-01. Review status: criteria provided, single submitter. Criteria: CeGaT Center For Human Genetics Tuebingen Variant Classification Criteria Version 2. Collection method: clinical testing. Allele origin: germline. Affected: yes. Observed: 1 variant allele.
Comment: CPNE1: BP4, BP7